The following is an entry in ClinVar:

ClinVar aggregate classification (germline): Uncertain significance. Review status: criteria provided, multiple submitters, no conflicts (2 of 4 stars). 2 submissions from 2 submitters: Uncertain significance (2). Last evaluated 2025-07-12.

Conditions:
Hereditary cancer-predisposing syndrome. Also called: Neoplastic Syndromes, Hereditary; Tumor predisposition; Hereditary Cancer Syndrome; Hereditary neoplastic syndrome. Identifiers: Orphanet 140162, MedGen C0027672, MeSH D009386, MONDO:0015356.

Allele frequency attached by ClinVar (database versions not stated): TOPMed 0.00002; gnomAD exomes 0.00006 and 0.00012; ExAC 0.00019.

Submissions (2):

Ambry Genetics
Classification: Uncertain significance for Hereditary cancer-predisposing syndrome. Last evaluated: 2025-07-12. Review status: criteria provided, single submitter. Criteria: Ambry Variant Classification Scheme 2023. Collection method: clinical testing. Allele origin: germline.
Comment: The p.M1004T variant (also known as c.3011T>C), located in coding exon 19 of the RAD50 gene, results from a T to C substitution at nucleotide position 3011. The methionine at codon 1004 is replaced by threonine, an amino acid with similar properties. This alteration was identified in 1/1358 non-cancer control individuals and in 0/57 cases, in a study looking at cancer predisposition mutations in patients with cutaneous melanoma and a history of at least two additional non-cutaneous melanoma primary cancers (Pritchard AL et al. PLoS One, 2018 Apr;13:e0194098). This amino acid position is not well conserved in available vertebrate species. In addition, this alteration is predicted to be tolerated by in silico analysis. Since supporting evidence is limited at this time, the clinical significance of this alteration remains unclear.

Labcorp Genetics (formerly Invitae), Labcorp
Classification: Uncertain significance for Hereditary cancer-predisposing syndrome. Last evaluated: 2024-09-02. Review status: criteria provided, single submitter. Criteria: Invitae Variant Classification Sherloc (09022015). Collection method: clinical testing. Allele origin: germline.
Comment: This sequence change replaces methionine, which is neutral and non-polar, with threonine, which is neutral and polar, at codon 1004 of the RAD50 protein (p.Met1004Thr). This variant is present in population databases (rs748544691, gnomAD 0.09%). This variant has not been reported in the literature in individuals affected with RAD50-related conditions. ClinVar contains an entry for this variant (Variation ID: 231803). Invitae Evidence Modeling of protein sequence and biophysical properties (such as structural, functional, and spatial information, amino acid conservation, physicochemical variation, residue mobility, and thermodynamic stability) indicates that this missense variant is not expected to disrupt RAD50 protein function with a negative predictive value of 80%. In summary, the available evidence is currently insufficient to determine the role of this variant in disease. Therefore, it has been classified as a Variant of Uncertain Significance.

Literature cited by the submitters: PubMed 29641532 (cited by Ambry Genetics).

NM_005732.4(RAD50):c.3011T>C (p.Met1004Thr)

Gene: RAD50 (RAD50 double strand break repair protein; plus strand). Cytogenetic location: 5q31.1.
Variant type: single nucleotide variant.
Coding change: c.3011T>C on transcript NM_005732.4 (MANE Select); coding-DNA position 3011, T replaced by C.
Protein change: p.Met1004Thr; replaces methionine 1004 with threonine.
Molecular consequence: missense variant.
Genome position (GRCh38, 1-based): chr5:132,609,371, T>C. VCF-style: chr5-132609371-T-C. GRCh37 (hg19) VCF-style: chr5-131945063-T-C.
Other names: short protein forms M1004T.
Identifiers: ClinVar variation 231803 (VCV000231803.15), dbSNP rs748544691, ClinGen allele CA3405499.
Genomic context (GRCh38, chr5:132,609,371, plus strand): 5'-TAGCTCAACTAAGTGAATGCGAGAAACACAAAGAAAAGATAAATGAAGATATGAGACTCA[T>C]GAGACAAGATATTGATACACAGAAGGTAGGTCTGTTTTGCTTATGATATCACTTACACCT-3'
Protein context (NP_005723.2, residues 994-1014): KEKINEDMRL[Met1004Thr]RQDIDTQKIQ